The following is an entry in ClinVar:

ClinVar aggregate classification (germline): Uncertain significance (1 of 4 stars; one submission).

Submission:

Labcorp Genetics (formerly Invitae), Labcorp
Classification: Uncertain significance. Last evaluated: 2024-10-10. Review status: criteria provided, single submitter. Criteria: Invitae Variant Classification Sherloc (09022015). Collection method: clinical testing. Allele origin: germline.
Comment: This sequence change replaces arginine, which is basic and polar, with proline, which is neutral and non-polar, at codon 448 of the ANKZF1 protein (p.Arg448Pro). This variant is not present in population databases (gnomAD no frequency). This variant has not been reported in the literature in individuals affected with ANKZF1-related conditions. An algorithm developed to predict the effect of missense changes on protein structure and function (PolyPhen-2) suggests that this variant is likely to be tolerated. In summary, the available evidence is currently insufficient to determine the role of this variant in disease. Therefore, it has been classified as a Variant of Uncertain Significance.

NM_018089.3(ANKZF1):c.1343G>C (p.Arg448Pro)

Gene: ANKZF1 (ankyrin repeat and zinc finger peptidyl tRNA hydrolase 1; plus strand). Cytogenetic location: 2q35.
Variant type: single nucleotide variant.
Coding change: c.1343G>C on transcript NM_018089.3 (MANE Select); coding-DNA position 1343, G replaced by C.
Protein change: p.Arg448Pro; replaces arginine 448 with proline.
Molecular consequence: missense variant.
Genome position (GRCh38, 1-based): chr2:219,234,964, G>C. VCF-style: chr2-219234964-G-C. GRCh37 (hg19) VCF-style: chr2-220099686-G-C.
Other names: c.1343G>C, p.Arg448Pro (NM_001042410.2); c.713G>C, p.Arg238Pro (NM_001282792.2); short protein forms R448P, R238P.
Identifiers: ClinVar variation 3672384 (VCV003672384.2).
Genomic context (GRCh38, chr2:219,234,964, plus strand): 5'-GTGAGTCTGAAGTATTGCCCAAGCGGAGGAGGAGAAAAAGGAATAAGAAGGAGAAAAGCC[G>C]AGACCAGGAGGCTGGGGCACATCGGACTCTTCTCCAGCAAACTCAAGAAGAGGAGCCTTC-3'
Protein context (NP_060559.2, residues 438-458): RRKRNKKEKS[Arg448Pro]DQEAGAHRTL